The following is an entry in ClinVar:

NM_006766.5(KAT6A):c.5161C>T (p.Pro1721Ser)

Gene: KAT6A (lysine acetyltransferase 6A; minus strand). Cytogenetic location: 8p11.21.
Variant type: single nucleotide variant.
Coding change: c.5161C>T on transcript NM_006766.5 (MANE Select); coding-DNA position 5161, C replaced by T.
Protein change: p.Pro1721Ser; replaces proline 1721 with serine.
Molecular consequence: missense variant.
Genome position (GRCh38, 1-based): chr8:41,933,059, G>A on the plus strand (C>T on the coding strand, the complement: KAT6A is on the minus strand). VCF-style: chr8-41933059-G-A. GRCh37 (hg19) VCF-style: chr8-41790577-G-A.
Other names: short protein forms P1721S.
Identifiers: ClinVar variation 3603655 (VCV003603655.2).

ClinVar aggregate classification (germline): Uncertain significance (1 of 4 stars; one submission).

gnomAD v4.1: 1 of 1,570,848 alleles (0.000064%); highest among the groups gnomAD compares: Non-Finnish European, 0.000087%; no homozygotes.

Submission:

Labcorp Genetics (formerly Invitae), Labcorp
Classification: Uncertain significance. Last evaluated: 2024-10-06. Review status: criteria provided, single submitter. Criteria: Invitae Variant Classification Sherloc (09022015). Collection method: clinical testing. Allele origin: germline.
Comment: This sequence change replaces proline, which is neutral and non-polar, with serine, which is neutral and polar, at codon 1721 of the KAT6A protein (p.Pro1721Ser). This variant is not present in population databases (gnomAD no frequency). This variant has not been reported in the literature in individuals affected with KAT6A-related conditions. Invitae Evidence Modeling of protein sequence and biophysical properties (such as structural, functional, and spatial information, amino acid conservation, physicochemical variation, residue mobility, and thermodynamic stability) indicates that this missense variant is not expected to disrupt KAT6A protein function with a negative predictive value of 95%. In summary, the available evidence is currently insufficient to determine the role of this variant in disease. Therefore, it has been classified as a Variant of Uncertain Significance.